The following is an entry in ClinVar:

ClinVar aggregate classification (germline): Pathogenic. Review status: reviewed by expert panel (3 of 4 stars). 2 submissions from 2 submitters: Pathogenic (1). 1 of the submissions does not count toward it. Last evaluated 2024-03-26.

Conditions:
Hereditary thrombocytopenia and hematologic cancer predisposition syndrome. Identifiers: Orphanet 71290, MedGen CN281654, MONDO:0011071.
Hereditary thrombocytopenia and hematological cancer predisposition syndrome associated with RUNX1. Also called: PLATELET DISORDER, ASPIRIN-LIKE; RUNX1 Familial Platelet Disorder with Associated Myeloid Malignancies; Familial Platelet Disorder with Propensity to Acute Myelogenous Leukemia; Familial thrombocytopenia with propensity to acute myelogenous leukemia. Identifiers: Orphanet 71290, MedGen C1832388, MeSH C563324, MONDO:0100083, OMIM 601399.

Submissions (2):

ClinGen Myeloid Malignancy Variant Curation Expert Panel
Classification: Pathogenic for Hereditary thrombocytopenia and hematologic cancer predisposition syndrome. Last evaluated: 2024-03-26. Review status: reviewed by expert panel. Criteria: ClinGen MyeloMalig ACMG Specifications v2. Collection method: curation. Allele origin: germline. Inheritance: Autosomal dominant inheritance.
Comment: In summary, this variant meets criteria to be classified as pathogenic. ACMG/AMP criteria applied, as specified by the Myeloid Malignancy Variant Curation Expert Panel for RUNX1: PVS1, PM5_supp, PM2_supp

Labcorp Genetics (formerly Invitae), Labcorp
Classification: Pathogenic for Hereditary thrombocytopenia and hematological cancer predisposition syndrome associated with RUNX1. Last evaluated: 2021-04-10. Review status: criteria provided, single submitter. Criteria: Invitae Variant Classification Sherloc (09022015). Collection method: clinical testing. Allele origin: germline. Not counted in ClinVar's aggregate classification.
Comment: For these reasons, this variant has been classified as Pathogenic. This variant has not been reported in the literature in individuals with RUNX1-related conditions. This variant is not present in population databases (ExAC no frequency). This sequence change creates a premature translational stop signal (p.Gly168Glufs*8) in the RUNX1 gene. It is expected to result in an absent or disrupted protein product. Loss-of-function variants in RUNX1 are known to be pathogenic (PMID: 18723428, 24100448).

Literature cited by the submitters: PubMed 18723428 (cited by Labcorp Genetics (formerly Invitae), Labcorp); PubMed 24100448 (cited by Labcorp Genetics (formerly Invitae), Labcorp).

NM_001754.5(RUNX1):c.503del (p.Gly168fs)

Genes: RUNX1 (RUNX family transcription factor 1; minus strand), RUNX1-AS1 (RUNX1 antisense RNA 1; plus strand). Cytogenetic location: 21q22.12.
Variant type: Deletion.
Coding change: c.503del on transcript NM_001754.5 (MANE Select); coding-DNA position 503, one base deleted (G; older notation c.503delG).
Protein change: p.Gly168fs; shifts the reading frame from glycine 168.
Molecular consequence: frameshift variant.
Genome position (GRCh38, 1-based): chr21:34,880,562, C deleted on the plus strand (G on the coding strand, the reverse complement: RUNX1 is on the minus strand); the first of 2 consecutive C bases (chr21:34,880,562-34,880,563); deleting either gives the same sequence. VCF-style (leftmost placement, unchanged base first): chr21-34880561-TC-T. GRCh37 (hg19) VCF-style: chr21-36252858-TC-T.
Other names: NM_001754.5(RUNX1):c.503del; p.Gly168fs; c.422del, p.Gly141fs (NM_001001890.3, NM_001122607.2); short protein forms G141fs, G168fs.
Identifiers: ClinVar variation 1363605 (VCV001363605.7), dbSNP rs2146360319, ClinGen allele CA2573157355.